The following is an entry in ClinVar:

NM_176824.3(BBS7):c.1672T>G (p.Tyr558Asp)

Gene: BBS7 (Bardet-Biedl syndrome 7; minus strand). Cytogenetic location: 4q27.
Variant type: single nucleotide variant.
Coding change: c.1672T>G on transcript NM_176824.3 (MANE Select); coding-DNA position 1672, T replaced by G.
Protein change: p.Tyr558Asp; replaces tyrosine 558 with aspartic acid.
Molecular consequence: missense variant.
Genome position (GRCh38, 1-based): chr4:121,833,235, A>C on the plus strand (T>G on the coding strand, the complement: BBS7 is on the minus strand). VCF-style: chr4-121833235-A-C. GRCh37 (hg19) VCF-style: chr4-122754390-A-C.
Other names: c.1672T>G, p.Tyr558Asp (NM_018190.4); short protein forms Y558D.
Identifiers: ClinVar variation 3349098 (VCV003349098.1).

ClinVar aggregate classification (germline): Uncertain significance (0 of 4 stars; one submission).

Conditions:
BBS7-related disorder. Also called: BBS7-related condition.

Submission:

PreventionGenetics, part of Exact Sciences
Classification: Uncertain significance for BBS7-related condition. Last evaluated: 2023-12-20. Review status: no assertion criteria provided. Collection method: clinical testing. Allele origin: germline.
Comment: The BBS7 c.1672T>G variant is predicted to result in the amino acid substitution p.Tyr558Asp. To our knowledge, this variant has not been reported in the literature or in a large population database, indicating this variant is rare. At this time, the clinical significance of this variant is uncertain due to the absence of conclusive functional and genetic evidence.